The following is an entry in ClinVar:

ClinVar aggregate classification (germline): Uncertain significance (1 of 4 stars; one submission).

Submission:

GeneDx
Classification: Uncertain significance. Last evaluated: 2026-03-29. Review status: criteria provided, single submitter. Criteria: GeneDx Variant Classification Process June 2021. Collection method: clinical testing. Allele origin: germline.
Comment: Not observed at significant frequency in large population cohorts (gnomAD); In silico analysis supports that this missense variant has a deleterious effect on protein structure/function; Has not been previously published as pathogenic or benign to our knowledge

NM_181303.2(NLGN3):c.1045G>A (p.Val349Met)

Gene: NLGN3 (neuroligin 3; plus strand). Cytogenetic location: Xq13.1.
Variant type: single nucleotide variant.
Coding change: c.1045G>A on transcript NM_181303.2 (MANE Select); coding-DNA position 1045, G replaced by A.
Protein change: p.Val349Met; replaces valine 349 with methionine.
Molecular consequence: missense variant.
Genome position (GRCh38, 1-based): chrX:71,167,142, G>A. VCF-style: chrX-71167142-G-A. GRCh37 (hg19) VCF-style: chrX-70386992-G-A.
Other names: c.925G>A, p.Val309Met (NM_001166660.2); c.634G>A, p.Val212Met (NM_001321276.2, NM_001438298.1); c.694G>A, p.Val232Met (NM_001437941.1, NM_001438296.1); c.985G>A, p.Val329Met (NM_018977.4); short protein forms V212M, V232M, V309M, V329M, V349M.
Identifiers: ClinVar variation 5017881 (VCV005017881.1).